The following is an entry in ClinVar:

ClinVar aggregate classification (germline): Uncertain significance (1 of 4 stars; one submission).

Allele frequency attached by ClinVar (database versions not stated): gnomAD exomes 0.00001.
gnomAD v4.1: 11 of 1,561,998 alleles (0.0007%); highest among the groups gnomAD compares: African/African-American, 0.0014%; no homozygotes.

Submission:

Labcorp Genetics (formerly Invitae), Labcorp
Classification: Uncertain significance. Last evaluated: 2022-06-15. Review status: criteria provided, single submitter. Criteria: Invitae Variant Classification Sherloc (09022015). Collection method: clinical testing. Allele origin: germline.
Comment: The frequency data for this variant in the population databases is considered unreliable, as metrics indicate poor data quality at this position in the gnomAD database. This variant has not been reported in the literature in individuals affected with IFT88-related conditions. Algorithms developed to predict the effect of missense changes on protein structure and function are either unavailable or do not agree on the potential impact of this missense change (SIFT: "Not Available"; PolyPhen-2: "Possibly Damaging"; Align-GVGD: "Not Available"). In summary, the available evidence is currently insufficient to determine the role of this variant in disease. Therefore, it has been classified as a Variant of Uncertain Significance. This sequence change replaces isoleucine, which is neutral and non-polar, with valine, which is neutral and non-polar, at codon 262 of the IFT88 protein (p.Ile262Val).

NM_006531.5(IFT88):c.757A>G (p.Ile253Val)

Gene: IFT88 (intraflagellar transport 88; plus strand). Cytogenetic location: 13q12.11.
Variant type: single nucleotide variant.
Coding change: c.757A>G on transcript NM_006531.5 (MANE Select); coding-DNA position 757, A replaced by G.
Protein change: p.Ile253Val; replaces isoleucine 253 with valine.
Molecular consequence: missense variant. On other transcripts: non-coding transcript variant (5).
Genome position (GRCh38, 1-based): chr13:20,599,510, A>G. VCF-style: chr13-20599510-A-G. GRCh37 (hg19) VCF-style: chr13-21173649-A-G.
Other names: c.700A>G, p.Ile234Val (NM_001318491.2, NM_001353573.2, NM_001353574.2 and 1 more transcripts); c.784A>G, p.Ile262Val (NM_001318493.2, NM_001353565.2, NM_001353566.2 and 6 more transcripts); c.757A>G, p.Ile253Val (NM_001353568.2, NM_001353571.2, NM_001353572.2 and 1 more transcripts); c.124A>G, p.Ile42Val (NM_001353579.2); short protein forms I234V, I253V, I42V, I262V.
Identifiers: ClinVar variation 2007149 (VCV002007149.4), dbSNP rs1172455518, ClinGen allele CA387473739.